The following is an entry in ClinVar:

NM_001384140.1(PCDH15):c.3817C>A (p.Arg1273Ser)

Gene: PCDH15 (protocadherin related 15; minus strand). Cytogenetic location: 10q21.1.
Variant type: single nucleotide variant.
Coding change: c.3817C>A on transcript NM_001384140.1 (MANE Select); coding-DNA position 3817, C replaced by A.
Protein change: p.Arg1273Ser; replaces arginine 1273 with serine.
Molecular consequence: missense variant.
Genome position (GRCh38, 1-based): chr10:53,840,486, G>T on the plus strand (C>A on the coding strand, the complement: PCDH15 is on the minus strand). VCF-style: chr10-53840486-G-T. GRCh37 (hg19) VCF-style: chr10-55600246-G-T.
Other names: c.3832C>A, p.Arg1278Ser (NM_001142771.2, NM_001142763.2); c.3817C>A, p.Arg1273Ser (NM_001142772.2, NM_001354420.2, NM_001354429.2 and 4 more transcripts); c.3751C>A, p.Arg1251Ser (NM_001142773.2, NM_001354404.2, NM_001142768.2); c.3838C>A, p.Arg1280Ser (NM_001354411.2); c.3604C>A, p.Arg1202Ser (NM_001142765.2); c.3706C>A, p.Arg1236Ser (NM_001142767.2); c.3853C>A, p.Arg1285Ser (NM_001142769.4); short protein forms R1273S, R1251S, R1278S, R1202S, R1280S, R1236S, R1285S.
Identifiers: ClinVar variation 46475 (VCV000046475.70), dbSNP rs111033363, ClinGen allele CA138426.

ClinVar aggregate classification (germline): Conflicting classifications of pathogenicity. Review status: criteria provided, conflicting classifications (1 of 4 stars). 14 submissions from 14 submitters: Uncertain significance (10); Likely benign (4). Last evaluated 2026-04-17.

Conditions:
PCDH15-related disorder. Also called: PCDH15-related condition; PCDH15-related disorders.
Retinal dystrophy. Also called: Inherited retinal dystrophy. Identifiers: Orphanet 71862, MedGen C0854723, MeSH D058499, MONDO:0019118, HP:0000556.
Autosomal recessive nonsyndromic hearing loss 23. Identifiers: Orphanet 90636, MedGen C1836027, MONDO:0012293, OMIM 609533.
Usher syndrome type 1D (USH1D). Also called: USHER SYNDROME, TYPE ID. Identifiers: Orphanet 231169, Orphanet 886, MedGen C1832845, MONDO:0010984, OMIM 601067.
Usher syndrome type 1F (USH1F). Also called: USHER SYNDROME, TYPE IF. Identifiers: Orphanet 231169, Orphanet 886, MedGen C1865885, MONDO:0011186, OMIM 602083.
Usher syndrome type 1 (USH1). Also called: RETINITIS PIGMENTOSA AND CONGENITAL DEAFNESS. Identifiers: Orphanet 231169, Orphanet 886, MedGen C1568247, MONDO:0010168, OMIM 276900.

Allele frequency attached by ClinVar (database versions not stated): 1000 Genomes Project 30x 0.00031; 1000 Genomes Project 0.00040; TOPMed 0.00052; gnomAD 0.00054; ExAC 0.00062; gnomAD exomes 0.00062; ESP Exome Variant Server 0.00085.
gnomAD v4.1: 1,184 of 1,613,560 alleles (0.073%); highest among the groups gnomAD compares: Non-Finnish European, 0.086%; 1 homozygote.

Submissions (14):

PreventionGenetics, part of Exact Sciences
Classification: Uncertain significance for PCDH15-related condition. Last evaluated: 2026-04-17. Review status: criteria provided, single submitter. Criteria: ACMG Guidelines, 2015. Collection method: clinical testing. Allele origin: germline.
Comment: The PCDH15 c.3817C>A variant is predicted to result in the amino acid substitution p.Arg1273Ser. This variant was reported in individuals with Usher syndrome or hearing loss; however, a second potentially causative variant in the same gene was not described (see, for example, Bonnet et al. 2011. PubMed ID: 21569298; reported as p.Arg1278Ser in Reis et al. 2022. PubMed ID: 35580552). This variant was also described in large cohorts of individuals with deafness (supplementary data, Azaiez et al. 2018. PubMed ID: 30245029; Florentine et al. 2021. PubMed ID: 34515852). However, this variant is reported in 0.090% of alleles in individuals of European (Non-Finnish) descent in gnomAD, which may be too frequent to be a primary cause of disease. Although we suspect that this variant may be benign, at this time, the clinical significance of this variant is uncertain due to the absence of conclusive functional and genetic evidence.

Labcorp Genetics (formerly Invitae), Labcorp
Classification: Likely benign. Last evaluated: 2026-02-02. Review status: criteria provided, single submitter. Criteria: Invitae Variant Classification Sherloc (09022015). Collection method: clinical testing. Allele origin: germline.

CeGaT Center for Human Genetics Tuebingen
Classification: Likely benign. Last evaluated: 2025-12-01. Review status: criteria provided, single submitter. Criteria: CeGaT Center For Human Genetics Tuebingen Variant Classification Criteria Version 2. Collection method: clinical testing. Allele origin: germline. Affected: yes. Observed: 3 variant alleles.
Comment: PCDH15: BP4, BS2

Blueprint Genetics
Classification: Likely benign. Last evaluated: 2024-11-27. Review status: criteria provided, single submitter. Criteria: ACMG Guidelines, 2015. Collection method: clinical testing. Allele origin: germline.

Mayo Clinic Laboratories, Mayo Clinic
Classification: Uncertain significance. Last evaluated: 2023-05-11. Review status: criteria provided, single submitter. Criteria: ACMG Guidelines, 2015. Collection method: clinical testing. Allele origin: germline. Observed: 1 variant allele.
Comment: BS1_supporting

GeneDx
Classification: Uncertain significance. Last evaluated: 2022-03-11. Review status: criteria provided, single submitter. Criteria: GeneDx Variant Classification Process June 2021. Collection method: clinical testing. Allele origin: germline. Affected: yes.
Comment: Identified as heterozygous in patients with Usher syndrome type I in published literature, with either no second variant identified (Jaijo et al., 2012) or no available information about other variants present in the same individual (Bonnet et al., 2011); In silico analysis, which includes protein predictors and evolutionary conservation, supports a deleterious effect; This variant is associated with the following publications: (PMID: 21569298, 25468891, 22815625, 30245029, 34426522)

Institute of Human Genetics, Univ. Regensburg, Univ. Regensburg
Classification: Uncertain significance for Retinal dystrophy. Last evaluated: 2022-01-01. Review status: criteria provided, single submitter. Criteria: ACMG Guidelines, 2015. Collection method: clinical testing. Allele origin: germline. Affected: yes.

Myriad Genetics, Inc.
Classification: Uncertain significance for Usher syndrome type 1D. Last evaluated: 2021-11-04. Review status: criteria provided, single submitter. Criteria: Myriad Women's Health Autosomal Recessive and X-Linked Classification Criteria (2021). Collection method: clinical testing. Allele origin: unknown.
Comment: NM_033056.3(PCDH15):c.3817C>A(R1273S) is a missense variant classified as a variant of uncertain significance in the context of PCDH15-related disorders. R1273S has been observed in cases with relevant disease (PMID: 25468891, 22815625, 21569298). Functional assessments of this variant are not available. R1273S has been observed in population frequency databases (gnomAD: NFE 0.09%). In summary, there is insufficient evidence to classify NM_033056.3(PCDH15):c.3817C>A(R1273S) as pathogenic or benign. Please note: this variant was assessed in the context of healthy population screening.

Genome-Nilou Lab
Classification: Uncertain significance for Usher syndrome type 1F. Last evaluated: 2021-05-18. Review status: criteria provided, single submitter. Criteria: ACMG Guidelines, 2015. Collection method: clinical testing. Allele origin: germline. Affected: no.

Pars Genome Lab
Classification: Uncertain significance for Usher syndrome type 1F. Last evaluated: 2021-05-18. Review status: criteria provided, single submitter. Criteria: ACMG Guidelines, 2015. Collection method: clinical testing. Allele origin: germline. Affected: no.

Laboratory for Molecular Medicine, Mass General Brigham Personalized Medicine
Classification: Likely benign. Last evaluated: 2018-11-20. Review status: criteria provided, single submitter. Criteria: LMM Criteria. Collection method: clinical testing. Allele origin: germline. Observed: 6 variant alleles.
Comment: p.Arg1273Ser in PCDH15 is classified as likely benign because it has been identi fied in 0.08% (116/129078) of European chromosomes by gnomAD and it has been identified in two individuals with Usher syndrom e who had alternate causes of the Usher syndrome identified. One individual had two pathogenic variants in PCDH15 and the other individual had two pathogenic va riants in MYO7A (Bujakowska 2014, LMM unpublished data). This variant has also been identified in another 3 individuals with Usher syndrome and 2 individuals w ith hearing loss; however, a pathogenic variant affecting the remaining copy of PCDH15 was not identified in these individuals (Bonnet 2011, Jaijo 2012, LMM unp ublished data). ACMG/AMP criteria applied: BS1_Supporting, BP2.

Fulgent Genetics
Classification: Uncertain significance for Usher syndrome type 1D; Usher syndrome type 1F; Autosomal recessive nonsyndromic hearing loss 23. Last evaluated: 2018-10-31. Review status: criteria provided, single submitter. Criteria: ACMG Guidelines, 2015. Collection method: clinical testing. Allele origin: unknown.

Eurofins Ntd Llc (ga)
Classification: Uncertain significance. Last evaluated: 2018-02-16. Review status: criteria provided, single submitter. Criteria: EGL ClinVar v180209 classification definitions. Collection method: clinical testing. Allele origin: germline. Observed: 4 variant alleles, 4 heterozygotes.

Illumina Laboratory Services, Illumina
Classification: Uncertain significance for Usher syndrome type 1. Last evaluated: 2017-04-27. Review status: criteria provided, single submitter. Criteria: ICSL Variant Classification Criteria 13 December 2019. Collection method: clinical testing. Allele origin: germline.
Comment: This variant was observed as part of a predisposition screen in an ostensibly healthy population. A literature search was performed for the gene, cDNA change, and amino acid change (where applicable). Publications were found based on this search. However, the evidence from the literature, in combination with allele frequency data from public databases where available, was not sufficient to rule this variant in or out of causing disease. Therefore, this variant is classified as a variant of unknown significance.

Literature cited by the submitters: PubMed 21569298 (cited by 5 submitters); PubMed 22815625 (cited by 4 submitters); PubMed 25468891 (cited by 3 submitters); PubMed 30245029 (cited by Mayo Clinic Laboratories, Mayo Clinic and Institute of Human Genetics, Univ. Regensburg, Univ. Regensburg); PubMed 34426522 (cited by Mayo Clinic Laboratories, Mayo Clinic and Institute of Human Genetics, Univ. Regensburg, Univ. Regensburg); PubMed 35580552 (cited by Mayo Clinic Laboratories, Mayo Clinic and Institute of Human Genetics, Univ. Regensburg, Univ. Regensburg).